The following is an entry in ClinVar:

ClinVar aggregate classification (germline): Uncertain significance (1 of 4 stars; one submission).

Conditions:
Hereditary spastic paraplegia 11. Also called: Nakamura Osame syndrome; Autosomal recessive hereditary spastic paraplegia, mental impairment, and thin corpus callosum; SPASTIC PARAPLEGIA, AUTOSOMAL RECESSIVE, COMPLICATED, WITH THIN CORPUS CALLOSUM; SPASTIC PARAPLEGIA, AUTOSOMAL RECESSIVE, WITH MENTAL IMPAIRMENT AND THIN CORPUS CALLOSUM; Spastic paraplegia, mental retardation and thin corpus callosum; Spastic Paraplegia 11. Identifiers: Orphanet 2822, MedGen C1858479, MONDO:0011445, OMIM 604360.

Allele frequency attached by ClinVar (database versions not stated): gnomAD exomes below 0.00001.
gnomAD v4.1: 1 of 1,614,030 alleles (0.000062%); highest among the groups gnomAD compares: Non-Finnish European, 0.000085%; no homozygotes.

Submission:

Labcorp Genetics (formerly Invitae), Labcorp
Classification: Uncertain significance for Hereditary spastic paraplegia 11. Last evaluated: 2020-11-27. Review status: criteria provided, single submitter. Criteria: Invitae Variant Classification Sherloc (09022015). Collection method: clinical testing. Allele origin: germline.
Comment: In summary, the available evidence is currently insufficient to determine the role of this variant in disease. Therefore, it has been classified as a Variant of Uncertain Significance. Algorithms developed to predict the effect of missense changes on protein structure and function output the following: SIFT: "Tolerated"; PolyPhen-2: "Benign"; Align-GVGD: "Class C0". The valine amino acid residue is found in multiple mammalian species, suggesting that this missense change does not adversely affect protein function. These predictions have not been confirmed by published functional studies and their clinical significance is uncertain. This variant has not been reported in the literature in individuals with SPG11-related disease. This variant is not present in population databases (ExAC no frequency). This sequence change replaces isoleucine with valine at codon 1644 of the SPG11 protein (p.Ile1644Val). The isoleucine residue is weakly conserved and there is a small physicochemical difference between isoleucine and valine.

NM_025137.4(SPG11):c.4930A>G (p.Ile1644Val)

Gene: SPG11 (SPG11 vesicle trafficking associated, spatacsin; minus strand). Cytogenetic location: 15q21.1.
Variant type: single nucleotide variant.
Coding change: c.4930A>G on transcript NM_025137.4 (MANE Select); coding-DNA position 4930, A replaced by G.
Protein change: p.Ile1644Val; replaces isoleucine 1644 with valine.
Molecular consequence: missense variant.
Genome position (GRCh38, 1-based): chr15:44,585,827, T>C on the plus strand (A>G on the coding strand, the complement: SPG11 is on the minus strand). VCF-style: chr15-44585827-T-C. GRCh37 (hg19) VCF-style: chr15-44878025-T-C.
Other names: c.4930A>G, p.Ile1644Val (NM_001160227.2); short protein forms I1644V.
Identifiers: ClinVar variation 578655 (VCV000578655.8), dbSNP rs1240092659, ClinGen allele CA392223689.